The following is an entry in ClinVar:

NM_017491.5(WDR1):c.777G>A (p.Lys259=)

Gene: WDR1 (WD repeat domain 1; minus strand). Cytogenetic location: 4p16.1.
Variant type: single nucleotide variant.
Coding change: c.777G>A on transcript NM_017491.5 (MANE Select); coding-DNA position 777, G replaced by A.
Protein change: p.Lys259=; no amino-acid change (lysine 259 retained).
Molecular consequence: synonymous variant.
Genome position (GRCh38, 1-based): chr4:10,087,881, C>T on the plus strand (G>A on the coding strand, the complement: WDR1 is on the minus strand). VCF-style: chr4-10087881-C-T. GRCh37 (hg19) VCF-style: chr4-10089505-C-T.
Other names: p.Lys259=; c.777G>A (NM_017491.3); c.357G>A, p.Lys119= (NM_005112.5).
Identifiers: ClinVar variation 1164640 (VCV001164640.12), dbSNP rs376382605, ClinGen allele CA2857885.

ClinVar aggregate classification (germline): Benign/Likely benign. Review status: criteria provided, multiple submitters, no conflicts (2 of 4 stars). 5 submissions from 5 submitters: Benign (2); Likely benign (2). 1 of the submissions does not count toward it. Last evaluated 2025-12-29.

Conditions:
WDR1-related disorder. Also called: WDR1-related condition.

Allele frequency attached by ClinVar (database versions not stated): gnomAD exomes 0.00009 and 0.00020; ExAC 0.00058; 1000 Genomes Project 0.00060; 1000 Genomes Project 30x 0.00062; ESP Exome Variant Server 0.00079; gnomAD 0.00099 and 0.00109; TOPMed 0.00106.
gnomAD v4.1: 282 of 1,565,414 alleles (0.018%); highest among the groups gnomAD compares: African/African-American, 0.36%; 1 homozygote.

Submissions (5):

Labcorp Genetics (formerly Invitae), Labcorp
Classification: Benign. Last evaluated: 2025-12-29. Review status: criteria provided, single submitter. Criteria: Invitae Variant Classification Sherloc (09022015). Collection method: clinical testing. Allele origin: germline.

Mayo Clinic Laboratories, Mayo Clinic
Classification: Likely benign. Last evaluated: 2025-04-25. Review status: criteria provided, single submitter. Criteria: ACMG Guidelines, 2015. Collection method: clinical testing. Allele origin: germline. Observed: 1 variant allele.
Comment: BP4, BP7

Blueprint Genetics
Classification: Likely benign. Last evaluated: 2024-03-19. Review status: criteria provided, single submitter. Criteria: ACMG Guidelines, 2015. Collection method: clinical testing. Allele origin: germline.

Breakthrough Genomics
Classification: Benign. Review status: criteria provided, single submitter. Criteria: ACMG Guidelines, 2015. Collection method: not provided. Allele origin: germline. Inheritance: Autosomal recessive inheritance. Affected: yes.

PreventionGenetics, part of Exact Sciences
Classification: Likely benign for WDR1-related condition. Last evaluated: 2019-12-26. Review status: no assertion criteria provided. Collection method: clinical testing. Allele origin: germline. Not counted in ClinVar's aggregate classification.
Comment: This variant is classified as likely benign based on ACMG/AMP sequence variant interpretation guidelines (Richards et al. 2015 PMID: 25741868, with internal and published modifications).